The following is an entry in ClinVar:

NM_033305.3(VPS13A):c.144+3A>G

Gene: VPS13A (vacuolar protein sorting 13 homolog A; plus strand). Cytogenetic location: 9q21.2.
Variant type: single nucleotide variant.
Coding change: c.144+3A>G on transcript NM_033305.3 (MANE Select); 3 bases into the intron after coding-DNA position 144, A replaced by G.
Molecular consequence: intron variant.
Genome position (GRCh38, 1-based): chr9:77,199,991, A>G. VCF-style: chr9-77199991-A-G. GRCh37 (hg19) VCF-style: chr9-79814907-A-G.
Other names: c.144+3A>G (NM_001018037.2, NM_015186.4, NM_001018038.3).
Identifiers: ClinVar variation 1400141 (VCV001400141.3), dbSNP rs2131103455, ClinGen allele CA2573144768.

ClinVar aggregate classification (germline): Uncertain significance (1 of 4 stars; one submission).

gnomAD v4.1: 2 of 1,607,158 alleles (0.00012%); highest among the groups gnomAD compares: Non-Finnish European, 0.000085%; no homozygotes.

Submission:

Labcorp Genetics (formerly Invitae), Labcorp
Classification: Uncertain significance. Last evaluated: 2021-04-05. Review status: criteria provided, single submitter. Criteria: Invitae Variant Classification Sherloc (09022015). Collection method: clinical testing. Allele origin: germline.
Comment: This sequence change falls in intron 2 of the VPS13A gene. It does not directly change the encoded amino acid sequence of the VPS13A protein. It affects a nucleotide within the consensus splice site of the intron. This variant is not present in population databases (ExAC no frequency). This variant has not been reported in the literature in individuals with VPS13A-related conditions. Nucleotide substitutions within the consensus splice site are a relatively common cause of aberrant splicing (PMID: 17576681, 9536098). Algorithms developed to predict the effect of sequence changes on RNA splicing suggest that this variant may disrupt the consensus splice site, but this prediction has not been confirmed by published transcriptional studies. In summary, the available evidence is currently insufficient to determine the role of this variant in disease. Therefore, it has been classified as a Variant of Uncertain Significance.

Literature cited by the submitters: PubMed 17576681; PubMed 9536098.